The following is an entry in ClinVar:

NM_198576.4(AGRN):c.5011C>T (p.Arg1671Ter)

Gene: AGRN (agrin; plus strand). Cytogenetic location: 1p36.33.
Variant type: single nucleotide variant.
Coding change: c.5011C>T on transcript NM_198576.4 (MANE Select); coding-DNA position 5011, C replaced by T.
Protein change: p.Arg1671Ter; replaces arginine 1671 with a stop codon.
Molecular consequence: nonsense.
Genome position (GRCh38, 1-based): chr1:1,050,461, C>T. VCF-style: chr1-1050461-C-T. GRCh37 (hg19) VCF-style: chr1-985841-C-T.
Other names: c.5011C>T, p.Arg1671Ter (NM_001305275.2); c.4696C>T, p.Arg1566Ter (NM_001364727.2); short protein forms R1566*, R1671*.
Identifiers: ClinVar variation 2584416 (VCV002584416.4), dbSNP rs745827541, ClinGen allele CA337779921.

ClinVar aggregate classification (germline): Pathogenic/Likely pathogenic. Review status: criteria provided, multiple submitters, no conflicts (2 of 4 stars). 2 submissions from 2 submitters: Pathogenic (1); Likely pathogenic (1). Last evaluated 2022-12-24.

Conditions:
Congenital myasthenic syndrome 8. Also called: Myasthenic syndrome, congenital, 8, with pre- and postsynaptic defects; MYASTHENIC SYNDROME, CONGENITAL, DUE TO AGRIN DEFICIENCY. Identifiers: Orphanet 590, MedGen C3808739, MONDO:0014052, OMIM 615120.

gnomAD v4.1: 8 of 1,612,926 alleles (0.0005%); highest among the groups gnomAD compares: Non-Finnish European, 0.00051%; no homozygotes.

Submissions (2):

Labcorp Genetics (formerly Invitae), Labcorp
Classification: Pathogenic for Congenital myasthenic syndrome 8. Last evaluated: 2022-12-24. Review status: criteria provided, single submitter. Criteria: Invitae Variant Classification Sherloc (09022015). Collection method: clinical testing. Allele origin: germline.
Comment: This variant has not been reported in the literature in individuals affected with AGRN-related conditions. This variant is not present in population databases (gnomAD no frequency). This sequence change creates a premature translational stop signal (p.Arg1671*) in the AGRN gene. It is expected to result in an absent or disrupted protein product. Loss-of-function variants in AGRN are known to be pathogenic (PMID: 24951643). For these reasons, this variant has been classified as Pathogenic.

Rady Children's Institute for Genomic Medicine, Rady Children's Hospital San Diego
Classification: Likely pathogenic for MYASTHENIC SYNDROME, CONGENITAL, 8. Review status: criteria provided, single submitter. Criteria: ACMG Guidelines, 2015. Collection method: clinical testing. Allele origin: germline. Affected: yes.
Comment: This nonsense variant found in exon 29 of 36 is predicted to result in loss of normal protein function through either protein truncation or nonsense-mediated mRNA decay (NMD). This variant has not been previously reported or functionally characterized in the literature to our knowledge. It is absent from the gnomAD population database and thus is presumed to be rare. Based on the available evidence, the c.5011C>T (p.Arg1671Ter) variant is classified as Likely Pathogenic.

Literature cited by the submitters: PubMed 24951643 (cited by Labcorp Genetics (formerly Invitae), Labcorp).